The following is an entry in ClinVar:

ClinVar aggregate classification (germline): Benign. Review status: criteria provided, multiple submitters, no conflicts (2 of 4 stars). 4 submissions from 4 submitters: Benign (4). Last evaluated 2025-02-25.

Conditions:
Primary ciliary dyskinesia 23 (CILD23). Also called: CILIARY DYSKINESIA, PRIMARY, 23, WITH OR WITHOUT SITUS INVERSUS. Identifiers: Orphanet 244, MedGen C3809548, MONDO:0014193, OMIM 615451.

Allele frequency attached by ClinVar (database versions not stated): gnomAD exomes 0.00740; ExAC 0.00879; gnomAD 0.01839 and 0.01978; 1000 Genomes Project 30x 0.03513.
gnomAD v4.1: 4,022 of 595,022 alleles (0.68%); highest among the groups gnomAD compares: African/African-American, 7%; 39 homozygotes.

Submissions (4):

Labcorp Genetics (formerly Invitae), Labcorp
Classification: Benign for Primary ciliary dyskinesia 23. Last evaluated: 2025-02-25. Review status: criteria provided, single submitter. Criteria: Invitae Variant Classification Sherloc (09022015). Collection method: clinical testing. Allele origin: germline.

Mayo Clinic Laboratories, Mayo Clinic
Classification: Benign. Last evaluated: 2024-02-29. Review status: criteria provided, single submitter. Criteria: ACMG Guidelines, 2015. Collection method: clinical testing. Allele origin: germline. Observed: 4 variant alleles.
Comment: BS1, BS2, BP4, BP7

GeneDx
Classification: Benign. Last evaluated: 2018-11-10. Review status: criteria provided, single submitter. Criteria: GeneDx Variant Classification Process June 2021. Collection method: clinical testing. Allele origin: germline. Affected: yes.

Breakthrough Genomics
Classification: Benign. Review status: criteria provided, single submitter. Criteria: ACMG Guidelines, 2015. Collection method: not provided. Allele origin: germline. Inheritance: Autosomal recessive inheritance. Affected: yes.

NM_018076.5(ODAD2):c.1143-10T>G

Gene: ODAD2 (outer dynein arm docking complex subunit 2; minus strand). Cytogenetic location: 10p12.1.
Variant type: single nucleotide variant.
Coding change: c.1143-10T>G on transcript NM_018076.5 (MANE Select); 10 bases into the intron before coding-DNA position 1143, T replaced by G.
Molecular consequence: intron variant.
Genome position (GRCh38, 1-based): chr10:27,969,028, A>C on the plus strand (T>G on the coding strand, the complement: ODAD2 is on the minus strand). VCF-style: chr10-27969028-A-C. GRCh37 (hg19) VCF-style: chr10-28257957-A-C.
Other names: p.?; c.1143-10T>G (NM_001290020.2); c.219-10T>G (NM_001312689.2); c.-187-7313T>G (NM_001290021.2).
Identifiers: ClinVar variation 417182 (VCV000417182.16), dbSNP rs201844076, ClinGen allele CA5453627.
Genomic context (GRCh38, chr10:27,969,028, plus strand): 5'-TCAAGTTTTCCTGTGTGTTTGTCCTCTTGGATTTCTTTTGCTGAGCCTTTGCTTTAAAAA[A>C]ATATACAAATATATTAGCTTTATTGCTTTATGCTAATTAATAAAAAATAAAAGATGGCAA-3'